The following is an entry in ClinVar:

NM_000390.4(CHM):c.1310G>A (p.Ser437Asn)

Gene: CHM (CHM Rab escort protein; minus strand). Cytogenetic location: Xq21.2.
Variant type: single nucleotide variant.
Coding change: c.1310G>A on transcript NM_000390.4 (MANE Select); coding-DNA position 1310, G replaced by A.
Protein change: p.Ser437Asn; replaces serine 437 with asparagine.
Molecular consequence: missense variant.
Genome position (GRCh38, 1-based): chrX:85,901,123, C>T on the plus strand (G>A on the coding strand, the complement: CHM is on the minus strand). VCF-style: chrX-85901123-C-T. GRCh37 (hg19) VCF-style: chrX-85156128-C-T.
Other names: c.866G>A, p.Ser289Asn (NM_001320959.1, NM_001362517.1, NM_001362518.2 and 1 more transcripts); short protein forms S437N, S289N.
Identifiers: ClinVar variation 2165705 (VCV002165705.4), dbSNP rs1437193750, ClinGen allele CA413789698.

ClinVar aggregate classification (germline): Uncertain significance (1 of 4 stars; one submission).

Allele frequency attached by ClinVar (database versions not stated): gnomAD exomes below 0.00001; TOPMed below 0.00001.
gnomAD v4.1: 1 of 1,204,583 alleles (0.000083%); highest among the groups gnomAD compares: Non-Finnish European, 0.00011%; no homozygotes.

Submission:

Labcorp Genetics (formerly Invitae), Labcorp
Classification: Uncertain significance. Last evaluated: 2025-01-13. Review status: criteria provided, single submitter. Criteria: Invitae Variant Classification Sherloc (09022015). Collection method: clinical testing. Allele origin: germline.
Comment: This sequence change replaces serine, which is neutral and polar, with asparagine, which is neutral and polar, at codon 437 of the CHM protein (p.Ser437Asn). This variant is not present in population databases (gnomAD no frequency). This variant has not been reported in the literature in individuals affected with CHM-related conditions. ClinVar contains an entry for this variant (Variation ID: 2165705). Invitae Evidence Modeling of protein sequence and biophysical properties (such as structural, functional, and spatial information, amino acid conservation, physicochemical variation, residue mobility, and thermodynamic stability) indicates that this missense variant is not expected to disrupt CHM protein function with a negative predictive value of 80%. In summary, the available evidence is currently insufficient to determine the role of this variant in disease. Therefore, it has been classified as a Variant of Uncertain Significance.